The following is an entry in ClinVar:

ClinVar aggregate classification (germline): Uncertain significance. Review status: criteria provided, multiple submitters, no conflicts (2 of 4 stars). 2 submissions from 2 submitters: Uncertain significance (2). Last evaluated 2025-07-25.

Conditions:
Hereditary cancer-predisposing syndrome. Also called: Neoplastic Syndromes, Hereditary; Tumor predisposition; Hereditary Cancer Syndrome; Hereditary neoplastic syndrome. Identifiers: Orphanet 140162, MedGen C0027672, MeSH D009386, MONDO:0015356.
Gastrointestinal stromal tumor. Also called: Gastrointestinal stromal tumor, somatic; Gastrointestinal stroma tumor. Identifiers: Orphanet 44890, MedGen C0238198, MeSH D046152, MONDO:0011719, OMIM 606764, HP:0100723.

Allele frequency attached by ClinVar (database versions not stated): gnomAD exomes below 0.00001.
gnomAD v4.1: 1 of 1,613,548 alleles (0.000062%); highest among the groups gnomAD compares: Non-Finnish European, 0.000085%; no homozygotes.

Submissions (2):

Ambry Genetics
Classification: Uncertain significance for Hereditary cancer-predisposing syndrome. Last evaluated: 2025-07-25. Review status: criteria provided, single submitter. Criteria: Ambry Variant Classification Scheme 2023. Collection method: clinical testing. Allele origin: germline.
Comment: The p.A292V variant (also known as c.875C>T), located in coding exon 5 of the KIT gene, results from a C to T substitution at nucleotide position 875. The alanine at codon 292 is replaced by valine, an amino acid with similar properties. This amino acid position is highly conserved in available vertebrate species. In addition, this alteration is predicted to be tolerated by in silico analysis. Based on the available evidence, the clinical significance of this variant remains unclear.

Labcorp Genetics (formerly Invitae), Labcorp
Classification: Uncertain significance for Gastrointestinal stromal tumor. Last evaluated: 2023-06-24. Review status: criteria provided, single submitter. Criteria: Invitae Variant Classification Sherloc (09022015). Collection method: clinical testing. Allele origin: germline.
Comment: This sequence change replaces alanine, which is neutral and non-polar, with valine, which is neutral and non-polar, at codon 292 of the KIT protein (p.Ala292Val). In summary, the available evidence is currently insufficient to determine the role of this variant in disease. Therefore, it has been classified as a Variant of Uncertain Significance. An algorithm developed to predict the effect of missense changes on protein structure and function (PolyPhen-2) suggests that this variant is likely to be disruptive. ClinVar contains an entry for this variant (Variation ID: 1764568). This variant has not been reported in the literature in individuals affected with KIT-related conditions. This variant is present in population databases (no rsID available, gnomAD 0.0009%).

NM_000222.3(KIT):c.875C>T (p.Ala292Val)

Gene: KIT (KIT proto-oncogene, receptor tyrosine kinase; plus strand). Cytogenetic location: 4q12.
Variant type: single nucleotide variant.
Coding change: c.875C>T on transcript NM_000222.3 (MANE Select); coding-DNA position 875, C replaced by T.
Protein change: p.Ala292Val; replaces alanine 292 with valine.
Molecular consequence: missense variant.
Genome position (GRCh38, 1-based): chr4:54,703,842, C>T. VCF-style: chr4-54703842-C-T. GRCh37 (hg19) VCF-style: chr4-55570008-C-T.
Other names: c.875C>T, p.Ala292Val (NM_001093772.2, NM_001385285.1, NM_001385286.1); c.878C>T, p.Ala293Val (NM_001385284.1, NM_001385288.1, NM_001385290.1 and 1 more transcripts); short protein forms A292V, A293V.
Identifiers: ClinVar variation 1764568 (VCV001764568.6), dbSNP rs1322080248, ClinGen allele CA356900016.